The following is an entry in ClinVar:

NM_006648.4(WNK2):c.5398G>C (p.Gly1800Arg)

Gene: WNK2 (WNK lysine deficient protein kinase 2; plus strand). Cytogenetic location: 9q22.31.
Variant type: single nucleotide variant.
Coding change: c.5398G>C on transcript NM_006648.4 (MANE Select); coding-DNA position 5398, G replaced by C.
Protein change: p.Gly1800Arg; replaces glycine 1800 with arginine.
Molecular consequence: missense variant.
Genome position (GRCh38, 1-based): chr9:93,292,863, G>C. VCF-style: chr9-93292863-G-C. GRCh37 (hg19) VCF-style: chr9-96055145-G-C.
Other names: c.5509G>C, p.Gly1837Arg (NM_001282394.3); short protein forms G1800R, G1837R.
Identifiers: ClinVar variation 3470080 (VCV003470080.1).
Genomic context (GRCh38, chr9:93,292,863, plus strand): 5'-TCCAGCCCCGACGTGAAGCTGGCAGTGCGGCGGGCGCAGACGGCCTCCTCCATCGAGGTC[G>C]GCGTGGGCGAGCCCGTGTCCAGCGACTCTGGGGACGAGGGCCCTCGGGCGAGACCCCCGG-3'
Protein context (NP_006639.3, residues 1790-1810): RAQTASSIEV[Gly1800Arg]VGEPVSSDSG

ClinVar aggregate classification (germline): Uncertain significance (1 of 4 stars; one submission).

gnomAD v4.1: 2 of 1,493,896 alleles (0.00013%); highest among the groups gnomAD compares: South Asian, 0.0013%; no homozygotes.

Submission:

Ambry Genetics
Classification: Uncertain significance. Last evaluated: 2024-10-04. Review status: criteria provided, single submitter. Criteria: Ambry Variant Classification Scheme 2023. Collection method: clinical testing. Allele origin: germline.
Comment: The p.G1800R variant (also known as c.5398G>C), located in coding exon 22 of the WNK2 gene, results from a G to C substitution at nucleotide position 5398. The glycine at codon 1800 is replaced by arginine, an amino acid with dissimilar properties. This amino acid position is conserved. In addition, the in silico prediction for this alteration is inconclusive. Based on the available evidence, the clinical significance of this variant remains unclear.